The following is an entry in ClinVar:

NM_001276270.2(MBD4):c.1394-5C>T

Gene: MBD4 (methyl-CpG binding domain 4, DNA glycosylase; minus strand). Cytogenetic location: 3q21.3.
Variant type: single nucleotide variant.
Coding change: c.1394-5C>T on transcript NM_001276270.2 (MANE Select); 5 bases into the intron before coding-DNA position 1394, C replaced by T.
Molecular consequence: intron variant.
Genome position (GRCh38, 1-based): chr3:129,433,252, G>A on the plus strand (C>T on the coding strand, the complement: MBD4 is on the minus strand). VCF-style: chr3-129433252-G-A. GRCh37 (hg19) VCF-style: chr3-129152095-G-A.
Other names: c.458-5C>T (NM_001276273.2); c.1412-5C>T (NM_001276272.2, NM_003925.3, NM_001276271.2).
Identifiers: ClinVar variation 3680167 (VCV003680167.3).

ClinVar aggregate classification (germline): Conflicting classifications of pathogenicity. Review status: criteria provided, conflicting classifications (1 of 4 stars). 2 submissions from 2 submitters: Uncertain significance (1); Likely benign (1). Last evaluated 2025-08-12.

Conditions:
Inborn genetic diseases. Identifiers: MedGen C0950123, MeSH D030342.

Submissions (2):

Ambry Genetics
Classification: Uncertain significance for Inborn genetic diseases. Last evaluated: 2025-08-12. Review status: criteria provided, single submitter. Criteria: Ambry Variant Classification Scheme 2023. Collection method: clinical testing. Allele origin: germline.
Comment: The c.1394-5C>T intronic variant results from a C to T substitution 5 nucleotides upstream from coding exon 6 in the MBD4 gene. This nucleotide position is not well conserved in available vertebrate species. In silico splice site analysis predicts that this alteration will not have any significant effect on splicing. Based on the available evidence, the clinical significance of this variant remains unclear.

Labcorp Genetics (formerly Invitae), Labcorp
Classification: Likely benign. Last evaluated: 2024-02-20. Review status: criteria provided, single submitter. Criteria: Invitae Variant Classification Sherloc (09022015). Collection method: clinical testing. Allele origin: germline.